The following is an entry in ClinVar:

NM_004415.4(DSP):c.270G>C (p.Gln90His)

Gene: DSP (desmoplakin; plus strand). Cytogenetic location: 6p24.3.
Variant type: single nucleotide variant.
Coding change: c.270G>C on transcript NM_004415.4 (MANE Select); coding-DNA position 270, G replaced by C.
Protein change: p.Gln90His; replaces glutamine 90 with histidine.
Molecular consequence: missense variant.
Genome position (GRCh38, 1-based): chr6:7,555,817, G>C. VCF-style: chr6-7555817-G-C. GRCh37 (hg19) VCF-style: chr6-7556050-G-C.
Other names: c.270G>C, p.Gln90His (NM_001319034.2, NM_001406591.1, NM_001008844.3); short protein forms Q90H.
Identifiers: ClinVar variation 3073471 (VCV003073471.1), dbSNP rs1758492241, ClinGen allele CA362670884.

ClinVar aggregate classification (germline): Uncertain significance (1 of 4 stars; one submission).

Conditions:
Arrhythmogenic cardiomyopathy with wooly hair and keratoderma. Also called: PALMOPLANTAR KERATODERMA WITH LEFT VENTRICULAR CARDIOMYOPATHY AND WOOLLY HAIR; Carvajal syndrome; Dilated cardiomyopathy with woolly hair and keratoderma; Arrhythmogenic cardiomyopathy with woolly hair and keratoderma. Identifiers: Orphanet 65282, MedGen C1854063, MONDO:0011581, OMIM 605676.

Allele frequency attached by ClinVar (database versions not stated): TOPMed below 0.00001.

Submission:

All of Us Research Program, National Institutes of Health
Classification: Uncertain significance for Arrhythmogenic cardiomyopathy with wooly hair and keratoderma. Last evaluated: 2023-09-17. Review status: criteria provided, single submitter. Criteria: ACMG Guidelines, 2015. Collection method: clinical testing. Allele origin: germline. Inheritance: Autosomal dominant inheritance. Observed: 1 variant allele, 1 heterozygote.
Comment: This missense variant replaces glutamine with histidine at codon 90 of the DSP protein. Computational prediction suggests that this variant may not impact protein structure and function (internally defined REVEL score threshold <= 0.5, PMID: 27666373). To our knowledge, functional studies have not been reported for this variant. This variant has not been reported in individuals affected with DSP-related disorders in the literature. This variant has not been identified in the general population by the Genome Aggregation Database (gnomAD). The available evidence is insufficient to determine the role of this variant in disease conclusively. Therefore, this variant is classified as a Variant of Uncertain Significance.

This study involves interpretation of variants in research participants for the purpose of population health screening. Participant phenotype was not available at the time of variant classification. Additional details can be found in publication PMID: 35346344, PMCID: PMC8962531